The following is an entry in ClinVar:

NM_000322.5(PRPH2):c.1015_1020dup (p.Ala339_Gly340dup)

Gene: PRPH2 (peripherin 2; minus strand). Cytogenetic location: 6p21.1.
Variant type: Duplication.
Coding change: c.1015_1020dup on transcript NM_000322.5 (MANE Select); coding-DNA positions 1015 to 1020, 6 bases duplicated (GCAGGC; older notation c.1015_1020dupGCAGGC).
Protein change: p.Ala339_Gly340dup.
Molecular consequence: inframe insertion.
Genome position (GRCh38, 1-based): chr6:42,698,316-42,698,321, GCCTGC duplicated on the plus strand (GCAGGC on the coding strand, the reverse complement: PRPH2 is on the minus strand); duplicating any 6 consecutive bases within chr6:42,698,316-42,698,322 gives the same sequence; the c. name uses the placement nearest the transcript's 3' end. VCF-style (leftmost placement, unchanged base first): chr6-42698315-G-GGCCTGC. GRCh37 (hg19) VCF-style: chr6-42666053-G-GGCCTGC.
Identifiers: ClinVar variation 1412713 (VCV001412713.6), dbSNP rs1332561329, ClinGen allele CA824833472.

ClinVar aggregate classification (germline): Uncertain significance (1 of 4 stars; one submission).

Conditions:
PRPH2-related disorder. Also called: PRPH2-related condition; PRPH2-related disorders. Identifiers: MedGen CN239395.

Submission:

Labcorp Genetics (formerly Invitae), Labcorp
Classification: Uncertain significance for PRPH2-related disorder. Last evaluated: 2021-09-19. Review status: criteria provided, single submitter. Criteria: Invitae Variant Classification Sherloc (09022015). Collection method: clinical testing. Allele origin: germline.
Comment: This variant, c.1015_1020dup, results in the insertion of 2 amino acid(s) to the PRPH2 protein (p.Ala339_Gly340dup), but otherwise preserves the integrity of the reading frame. This variant is not present in population databases (ExAC no frequency). This variant has not been reported in the literature in individuals affected with PRPH2-related conditions. Experimental studies and prediction algorithms are not available or were not evaluated, and the functional significance of this variant is currently unknown. In summary, the available evidence is currently insufficient to determine the role of this variant in disease. Therefore, it has been classified as a Variant of Uncertain Significance.